The following is an entry in ClinVar:

NM_014363.6(SACS):c.2465T>G (p.Ile822Ser)

Gene: SACS (sacsin molecular chaperone; minus strand). Cytogenetic location: 13q12.12.
Variant type: single nucleotide variant.
Coding change: c.2465T>G on transcript NM_014363.6 (MANE Select); coding-DNA position 2465, T replaced by G.
Protein change: p.Ile822Ser; replaces isoleucine 822 with serine.
Molecular consequence: missense variant.
Genome position (GRCh38, 1-based): chr13:23,341,411, A>C on the plus strand (T>G on the coding strand, the complement: SACS is on the minus strand). VCF-style: chr13-23341411-A-C. GRCh37 (hg19) VCF-style: chr13-23915550-A-C.
Other names: c.2024T>G, p.Ile675Ser (NM_001278055.2); short protein forms I675S, I822S.
Identifiers: ClinVar variation 2684326 (VCV002684326.1), dbSNP rs2542312994, ClinGen allele CA387538969.

ClinVar aggregate classification (germline): Uncertain significance (1 of 4 stars; one submission).

Submission:

Athena Diagnostics
Classification: Uncertain significance. Last evaluated: 2022-09-26. Review status: criteria provided, single submitter. Criteria: Athena Diagnostics Criteria. Collection method: clinical testing. Allele origin: unknown.
Comment: Available data are insufficient to determine the clinical significance of the variant at this time. This variant has not been reported in large, multi-ethnic general populations. Computational tools predict that this variant is not damaging.